The following is an entry in ClinVar:

ClinVar aggregate classification (germline): Uncertain significance. Review status: criteria provided, multiple submitters, no conflicts (2 of 4 stars). 2 submissions from 2 submitters: Uncertain significance (2). Last evaluated 2025-12-12.

Conditions:
Hereditary cancer-predisposing syndrome. Also called: Neoplastic Syndromes, Hereditary; Tumor predisposition; Hereditary neoplastic syndrome; Hereditary Cancer Syndrome. Identifiers: Orphanet 140162, MedGen C0027672, MeSH D009386, MONDO:0015356.

Allele frequency attached by ClinVar (database versions not stated): TOPMed 0.00001.

Submissions (2):

Labcorp Genetics (formerly Invitae), Labcorp
Classification: Uncertain significance. Last evaluated: 2025-12-12. Review status: criteria provided, single submitter. Criteria: Invitae Variant Classification Sherloc (09022015). Collection method: clinical testing. Allele origin: germline.
Comment: This sequence change replaces glycine, which is neutral and non-polar, with aspartic acid, which is acidic and polar, at codon 17 of the HOXB13 protein (p.Gly17Asp). This variant is present in population databases (no rsID available, gnomAD 0.003%). This variant has not been reported in the literature in individuals affected with HOXB13-related conditions. ClinVar contains an entry for this variant (Variation ID: 825442). An algorithm developed to predict the effect of missense changes on protein structure and function (PolyPhen-2) suggests that this variant is likely to be disruptive. In summary, the available evidence is currently insufficient to determine the role of this variant in disease. Therefore, it has been classified as a Variant of Uncertain Significance.

Ambry Genetics
Classification: Uncertain significance for Hereditary cancer-predisposing syndrome. Last evaluated: 2024-10-12. Review status: criteria provided, single submitter. Criteria: Ambry Variant Classification Scheme 2023. Collection method: clinical testing. Allele origin: germline.
Comment: The p.G17D variant (also known as c.50G>A), located in coding exon 1 of the HOXB13 gene, results from a G to A substitution at nucleotide position 50. The glycine at codon 17 is replaced by aspartic acid, an amino acid with similar properties. This amino acid position is highly conserved in available vertebrate species. In addition, this alteration is predicted to be deleterious by in silico analysis. Since supporting evidence is limited at this time, the clinical significance of this alteration remains unclear.

NM_006361.6(HOXB13):c.50G>A (p.Gly17Asp)

Gene: HOXB13 (homeobox B13; minus strand). Cytogenetic location: 17q21.32.
Variant type: single nucleotide variant.
Coding change: c.50G>A on transcript NM_006361.6 (MANE Select); coding-DNA position 50, G replaced by A.
Protein change: p.Gly17Asp; replaces glycine 17 with aspartic acid.
Molecular consequence: missense variant.
Genome position (GRCh38, 1-based): chr17:48,728,544, C>T on the plus strand (G>A on the coding strand, the complement: HOXB13 is on the minus strand). VCF-style: chr17-48728544-C-T. GRCh37 (hg19) VCF-style: chr17-46805906-C-T.
Other names: short protein forms G17D.
Identifiers: ClinVar variation 825442 (VCV000825442.7), dbSNP rs1156639115, ClinGen allele CA400109751.